The following is an entry in ClinVar:

NM_177438.3(DICER1):c.1219G>T (p.Asp407Tyr)

Gene: DICER1 (dicer 1, ribonuclease III; minus strand). Cytogenetic location: 14q32.13.
Variant type: single nucleotide variant.
Coding change: c.1219G>T on transcript NM_177438.3 (MANE Select); coding-DNA position 1219, G replaced by T.
Protein change: p.Asp407Tyr; replaces aspartic acid 407 with tyrosine.
Molecular consequence: missense variant.
Genome position (GRCh38, 1-based): chr14:95,124,353, C>A on the plus strand (G>T on the coding strand, the complement: DICER1 is on the minus strand). VCF-style: chr14-95124353-C-A. GRCh37 (hg19) VCF-style: chr14-95590690-C-A.
Other names: c.1219G>T, p.Asp407Tyr (NM_001195573.1, NM_001271282.3, NM_001291628.2 and 1 more transcripts); c.1219G>T (NM_177438.2); short protein forms D407Y.
Identifiers: ClinVar variation 1026443 (VCV001026443.10), dbSNP rs1893204441, ClinGen allele CA390886643.

ClinVar aggregate classification (germline): Uncertain significance. Review status: criteria provided, multiple submitters, no conflicts (2 of 4 stars). 2 submissions from 2 submitters: Uncertain significance (2). Last evaluated 2025-11-05.

Conditions:
DICER1-related tumor predisposition. Also called: DICER1 syndrome; DICER1-related pleuropulmonary blastoma cancer predisposition syndrome. Identifiers: Orphanet 284343, MedGen C3839822, MONDO:0100216.
Hereditary cancer-predisposing syndrome. Also called: Hereditary neoplastic syndrome; Neoplastic Syndromes, Hereditary; Tumor predisposition; Hereditary Cancer Syndrome. Identifiers: Orphanet 140162, MedGen C0027672, MeSH D009386, MONDO:0015356.

gnomAD v4.1: 1 of 1,613,920 alleles (0.000062%); highest among the groups gnomAD compares: Non-Finnish European, 0.000085%; no homozygotes.

Submissions (2):

Ambry Genetics
Classification: Uncertain significance for Hereditary cancer-predisposing syndrome. Last evaluated: 2025-11-05. Review status: criteria provided, single submitter. Criteria: Ambry Variant Classification Scheme 2023. Collection method: clinical testing. Allele origin: germline.
Comment: The p.D407Y variant (also known as c.1219G>T), located in coding exon 7 of the DICER1 gene, results from a G to T substitution at nucleotide position 1219. The aspartic acid at codon 407 is replaced by tyrosine, an amino acid with highly dissimilar properties. This amino acid position is conserved. In addition, the in silico prediction for this alteration is inconclusive. Based on the available evidence, the clinical significance of this variant remains unclear.

Labcorp Genetics (formerly Invitae), Labcorp
Classification: Uncertain significance for DICER1-related tumor predisposition. Last evaluated: 2024-04-30. Review status: criteria provided, single submitter. Criteria: Invitae Variant Classification Sherloc (09022015). Collection method: clinical testing. Allele origin: germline.
Comment: This sequence change replaces aspartic acid, which is acidic and polar, with tyrosine, which is neutral and polar, at codon 407 of the DICER1 protein (p.Asp407Tyr). This variant is not present in population databases (gnomAD no frequency). This variant has not been reported in the literature in individuals affected with DICER1-related conditions. ClinVar contains an entry for this variant (Variation ID: 1026443). An algorithm developed to predict the effect of missense changes on protein structure and function (PolyPhen-2) suggests that this variant is likely to be disruptive. In summary, the available evidence is currently insufficient to determine the role of this variant in disease. Therefore, it has been classified as a Variant of Uncertain Significance.